The following is an entry in ClinVar:

ClinVar aggregate classification (germline): Likely benign. Review status: criteria provided, single submitter (1 of 4 stars). 2 submissions from 2 submitters: Likely benign (1). 1 of the submissions does not count toward it. Last evaluated 2026-01-18.

Conditions:
NUP107-related disorder. Also called: NUP107-related condition.

Allele frequency attached by ClinVar (database versions not stated): gnomAD exomes 0.00002; 1000 Genomes Project 30x 0.00016; gnomAD 0.00016; TOPMed 0.00019; 1000 Genomes Project 0.00020; ExAC 0.00021.

Submissions (3):

Labcorp Genetics (formerly Invitae), Labcorp
Classification: Likely benign. Last evaluated: 2026-01-18. Review status: criteria provided, single submitter. Criteria: Invitae Variant Classification Sherloc (09022015). Collection method: clinical testing. Allele origin: germline.

PreventionGenetics, part of Exact Sciences
Classification: Likely benign for NUP107-related condition. Last evaluated: 2019-05-22. Review status: no assertion criteria provided. Collection method: clinical testing. Allele origin: germline. Not counted in ClinVar's aggregate classification.
Comment: This variant is classified as likely benign based on ACMG/AMP sequence variant interpretation guidelines (Richards et al. 2015 PMID: 25741868, with internal and published modifications).

Dr. Peter K. Rogan Lab, Western University
No classification provided (evidence only). Condition: Malignant tumor of esophagus. Review status: no classification provided. Collection method: in vitro. Allele origin: not applicable. Functional consequence: retained intron. Not counted in ClinVar's aggregate classification.

NM_020401.4(NUP107):c.304-10T>G

Gene: NUP107 (nucleoporin 107; plus strand). Cytogenetic location: 12q15.
Variant type: single nucleotide variant.
Coding change: c.304-10T>G on transcript NM_020401.4 (MANE Select); 10 bases into the intron before coding-DNA position 304, T replaced by G.
Molecular consequence: intron variant.
Genome position (GRCh38, 1-based): chr12:68,691,958, T>G. VCF-style: chr12-68691958-T-G. GRCh37 (hg19) VCF-style: chr12-69085738-T-G.
Other names: c.217-10T>G (NM_001330192.2); c.304-10T>G (NM_020401.3).
Identifiers: ClinVar variation 2046824 (VCV002046824.7), dbSNP rs559512239, ClinGen allele CA6677385.